The following is an entry in ClinVar:

ClinVar aggregate classification (germline): Uncertain significance. Review status: criteria provided, multiple submitters, no conflicts (2 of 4 stars). 2 submissions from 2 submitters: Uncertain significance (2). Last evaluated 2025-04-29.

Conditions:
Inborn genetic diseases. Identifiers: MedGen C0950123, MeSH D030342.

Allele frequency attached by ClinVar (database versions not stated): TOPMed 0.00001; ExAC 0.00001; gnomAD exomes below 0.00001; gnomAD 0.00002.
gnomAD v4.1: 5 of 1,613,684 alleles (0.00031%); highest among the groups gnomAD compares: East Asian, 0.0022%; no homozygotes.

Submissions (2):

Labcorp Genetics (formerly Invitae), Labcorp
Classification: Uncertain significance. Last evaluated: 2025-04-29. Review status: criteria provided, single submitter. Criteria: Invitae Variant Classification Sherloc (09022015). Collection method: clinical testing. Allele origin: germline.
Comment: This sequence change replaces serine, which is neutral and polar, with leucine, which is neutral and non-polar, at codon 1611 of the BPTF protein (p.Ser1611Leu). This variant is present in population databases (rs776598623, gnomAD 0.0009%). This variant has not been reported in the literature in individuals affected with BPTF-related conditions. ClinVar contains an entry for this variant (Variation ID: 2232990). An algorithm developed to predict the effect of missense changes on protein structure and function outputs the following: PolyPhen-2: "Benign". The leucine amino acid residue is found in multiple mammalian species, which suggests that this missense change does not adversely affect protein function. In summary, the available evidence is currently insufficient to determine the role of this variant in disease. Therefore, it has been classified as a Variant of Uncertain Significance.

Ambry Genetics
Classification: Uncertain significance for Inborn genetic diseases. Last evaluated: 2021-06-29. Review status: criteria provided, single submitter. Criteria: Ambry Variant Classification Scheme 2023. Collection method: clinical testing. Allele origin: germline.

NM_182641.4(BPTF):c.4454C>T (p.Ser1485Leu)

Gene: BPTF (bromodomain PHD finger transcription factor; plus strand). Cytogenetic location: 17q24.2.
Variant type: single nucleotide variant.
Coding change: c.4454C>T on transcript NM_182641.4 (MANE Select); coding-DNA position 4454, C replaced by T.
Protein change: p.Ser1485Leu; replaces serine 1485 with leucine.
Molecular consequence: missense variant.
Genome position (GRCh38, 1-based): chr17:67,912,338, C>T. VCF-style: chr17-67912338-C-T. GRCh37 (hg19) VCF-style: chr17-65908454-C-T.
Other names: c.4832C>T, p.Ser1611Leu (NM_004459.7); short protein forms S1485L, S1611L.
Identifiers: ClinVar variation 2232990 (VCV002232990.3), dbSNP rs776598623, ClinGen allele CA8725805.